The following is an entry in ClinVar:

NC_012920.1(MT-ATP6):m.8868T>A

Gene: MT-ATP6 (mitochondrially encoded ATP synthase 6; plus strand).
Variant type: single nucleotide variant.
Genome position: chrM-8868-T-A.
Identifiers: ClinVar variation 693008 (VCV000693008.1), dbSNP rs1556423556, ClinGen allele CA913180603.
Genomic context (GRCh38, chrMT:8,868, plus strand): 5'-AACCACCCAACTATCTATAAACCTAGCCATGGCCATCCCCTTATGAGCGGGCACAGTGAT[T>A]ATAGGCTTTCGCTCTAAGATTAAAAATGCCCTAGCCCACTTCTTACCACAAGGCACACCT-3'

ClinVar aggregate classification (germline): Uncertain significance (1 of 4 stars; one submission).

Conditions:
Leigh syndrome (NULS). Also called: Leigh's necrotizing encephalopathy; Leigh's disease; Leigh Syndrome (mtDNA deletion); Leigh Disease; Subacute necrotizing encephalopathy; Necrotizing encephalopathy infantile subacute of Leigh. Identifiers: Orphanet 506, MedGen C2931891, MONDO:0009723, OMIM 256000.

Submission:

Wong Mito Lab, Molecular and Human Genetics, Baylor College of Medicine
Classification: Uncertain significance for Leigh syndrome. Last evaluated: 2019-10-17. Review status: criteria provided, single submitter. Criteria: Modified ACMG Guidelines (Unpublished). Collection method: clinical testing. Allele origin: germline.
Comment: The NC_012920.1:m.8868T>A (YP_003024031.1:p.Ile114Met) variant in MTATP6 gene is interpretated to be a Uncertain Significance variant based on the modified ACMG guidelines (unpublished). This variant meets the following evidence codes: PP7, BS4